The following is an entry in ClinVar:

NM_000528.4(MAN2B1):c.771T>A (p.Leu257=)

Gene: MAN2B1 (mannosidase alpha class 2B member 1; minus strand). Cytogenetic location: 19p13.13.
Variant type: single nucleotide variant.
Coding change: c.771T>A on transcript NM_000528.4 (MANE Select); coding-DNA position 771, T replaced by A.
Protein change: p.Leu257=; no amino-acid change (leucine 257 retained).
Molecular consequence: synonymous variant.
Genome position (GRCh38, 1-based): chr19:12,663,455, A>T on the plus strand (T>A on the coding strand, the complement: MAN2B1 is on the minus strand). VCF-style: chr19-12663455-A-T. GRCh37 (hg19) VCF-style: chr19-12774269-A-T.
Other names: c.771T>A, p.Leu257= (NM_001173498.2).
Identifiers: ClinVar variation 2202987 (VCV002202987.11), dbSNP rs2512511526, ClinGen allele CA505625621.
Genomic context (GRCh38, chr19:12,663,455, plus strand): 5'-CGGCTGATCGACACACAGCACATCCCAGCACAGATTCCTTGGCGGGTTGTAACCATTGGG[A>T]AGCACACCTGCAGGTCACACCAAGTTCAAGGGGTGGCCCATCACCCAGACCTTCCCTGGT-3'
Protein context (NP_000519.2, residues 247-267): PPTADLFTGV[Leu257=]PNGYNPPRNL

ClinVar aggregate classification (germline): Likely benign. Review status: criteria provided, multiple submitters, no conflicts (2 of 4 stars). 2 submissions from 2 submitters: Likely benign (2). Last evaluated 2025-09-01.

Conditions:
Deficiency of alpha-mannosidase (MANSA). Also called: LYSOSOMAL ALPHA-D-MANNOSIDASE DEFICIENCY; Alpha-Mannosidosis; Mannosidosis, alpha-, types I and II. Identifiers: Orphanet 61, MedGen C0024748, MONDO:0009561, OMIM 248500.

Allele frequency attached by ClinVar (database versions not stated): gnomAD exomes 0.00001.

Submissions (2):

CeGaT Center for Human Genetics Tuebingen
Classification: Likely benign. Last evaluated: 2025-09-01. Review status: criteria provided, single submitter. Criteria: CeGaT Center For Human Genetics Tuebingen Variant Classification Criteria Version 2. Collection method: clinical testing. Allele origin: germline. Affected: yes. Observed: 1 variant allele.
Comment: MAN2B1: BP4, BP7

Labcorp Genetics (formerly Invitae), Labcorp
Classification: Likely benign for Deficiency of alpha-mannosidase. Last evaluated: 2025-08-04. Review status: criteria provided, single submitter. Criteria: Invitae Variant Classification Sherloc (09022015). Collection method: clinical testing. Allele origin: germline.